The following is an entry in ClinVar:

ClinVar aggregate classification (germline): Uncertain significance (1 of 4 stars; one submission).

gnomAD v4.1: 3 of 1,614,004 alleles (0.00019%); highest among the groups gnomAD compares: African/African-American, 0.0027%; no homozygotes.

Submission:

GeneDx
Classification: Uncertain significance. Last evaluated: 2024-05-19. Review status: criteria provided, single submitter. Criteria: GeneDx Variant Classification Process June 2021. Collection method: clinical testing. Allele origin: germline. Affected: yes.
Comment: Not observed at significant frequency in large population cohorts (gnomAD); In silico analysis indicates that this missense variant does not alter protein structure/function; Has not been previously published as pathogenic or benign to our knowledge

NM_001256012.3(MYH10):c.3667G>A (p.Ala1223Thr)

Gene: MYH10 (myosin heavy chain 10; minus strand). Cytogenetic location: 17p13.1.
Variant type: single nucleotide variant.
Coding change: c.3667G>A on transcript NM_001256012.3 (MANE Select); coding-DNA position 3667, G replaced by A.
Protein change: p.Ala1223Thr; replaces alanine 1223 with threonine.
Molecular consequence: missense variant.
Genome position (GRCh38, 1-based): chr17:8,500,903, C>T on the plus strand (G>A on the coding strand, the complement: MYH10 is on the minus strand). VCF-style: chr17-8500903-C-T. GRCh37 (hg19) VCF-style: chr17-8404221-C-T.
Other names: c.3601G>A, p.Ala1201Thr (NM_001256095.2); c.3604G>A, p.Ala1202Thr (NM_001375266.1); c.3574G>A, p.Ala1192Thr (NM_005964.5); short protein forms A1192T, A1201T, A1202T, A1223T.
Identifiers: ClinVar variation 3381542 (VCV003381542.1).